The following is an entry in ClinVar:

NM_152703.5(SAMD9L):c.3263T>C (p.Leu1088Ser)

Gene: SAMD9L (sterile alpha motif domain containing 9 like; minus strand). Cytogenetic location: 7q21.2.
Variant type: single nucleotide variant.
Coding change: c.3263T>C on transcript NM_152703.5 (MANE Select); coding-DNA position 3263, T replaced by C.
Protein change: p.Leu1088Ser; replaces leucine 1088 with serine.
Molecular consequence: missense variant.
Genome position (GRCh38, 1-based): chr7:93,132,709, A>G on the plus strand (T>C on the coding strand, the complement: SAMD9L is on the minus strand). VCF-style: chr7-93132709-A-G. GRCh37 (hg19) VCF-style: chr7-92762022-A-G.
Other names: c.3263T>C, p.Leu1088Ser (NM_001303496.3, NM_001303497.3, NM_001303498.3 and 5 more transcripts); c.3263T>C (NM_152703.3, NM_152703.2); short protein forms L1088S.
Identifiers: ClinVar variation 2041391 (VCV002041391.6), dbSNP rs757272465, ClinGen allele CA4343475.

ClinVar aggregate classification (germline): Uncertain significance. Review status: criteria provided, multiple submitters, no conflicts (2 of 4 stars). 3 submissions from 3 submitters: Uncertain significance (3). Last evaluated 2025-04-14.

Conditions:
Inborn genetic diseases. Identifiers: MedGen C0950123, MeSH D030342.

Allele frequency attached by ClinVar (database versions not stated): TOPMed below 0.00001; gnomAD 0.00001; gnomAD exomes 0.00001; ExAC 0.00002.
gnomAD v4.1: 11 of 1,613,726 alleles (0.00068%); highest among the groups gnomAD compares: Admixed American, 0.01%; no homozygotes.

Submissions (3):

Labcorp Genetics (formerly Invitae), Labcorp
Classification: Uncertain significance. Last evaluated: 2025-04-14. Review status: criteria provided, single submitter. Criteria: Invitae Variant Classification Sherloc (09022015). Collection method: clinical testing. Allele origin: germline.
Comment: This sequence change replaces leucine, which is neutral and non-polar, with serine, which is neutral and polar, at codon 1088 of the SAMD9L protein (p.Leu1088Ser). This variant is present in population databases (rs757272465, gnomAD 0.01%). This variant has not been reported in the literature in individuals affected with SAMD9L-related conditions. ClinVar contains an entry for this variant (Variation ID: 2041391). Invitae Evidence Modeling of protein sequence and biophysical properties (such as structural, functional, and spatial information, amino acid conservation, physicochemical variation, residue mobility, and thermodynamic stability) indicates that this missense variant is expected to disrupt SAMD9L protein function with a positive predictive value of 80%. In summary, the available evidence is currently insufficient to determine the role of this variant in disease. Therefore, it has been classified as a Variant of Uncertain Significance.

Ambry Genetics
Classification: Uncertain significance for Inborn genetic diseases. Last evaluated: 2024-12-07. Review status: criteria provided, single submitter. Criteria: Ambry Variant Classification Scheme 2023. Collection method: clinical testing. Allele origin: germline.
Comment: The p.L1088S variant (also known as c.3263T>C), located in coding exon 1 of the SAMD9L gene, results from a T to C substitution at nucleotide position 3263. The leucine at codon 1088 is replaced by serine, an amino acid with dissimilar properties. This amino acid position is conserved. In addition, this alteration is predicted to be deleterious by in silico analysis. Based on the available evidence, the clinical significance of this variant remains unclear.

GeneDx
Classification: Uncertain significance. Last evaluated: 2023-04-11. Review status: criteria provided, single submitter. Criteria: GeneDx Variant Classification Process June 2021. Collection method: clinical testing. Allele origin: germline. Affected: yes.
Comment: Not observed at significant frequency in large population cohorts (gnomAD); In silico analysis supports that this missense variant has a deleterious effect on protein structure/function; Has not been previously published as pathogenic or benign to our knowledge; This variant is associated with the following publications: (PMID: 28545555)